The following is an entry in ClinVar:

ClinVar aggregate classification (germline): Conflicting classifications of pathogenicity. Review status: criteria provided, conflicting classifications (1 of 4 stars). 5 submissions from 5 submitters: Uncertain significance (1); Benign (1); Likely benign (2). 1 of the submissions does not count toward it. Last evaluated 2026-01-23.

Conditions:
Isovaleryl-CoA dehydrogenase deficiency (IVA). Also called: Classic Isovaleric Acidemia; IVD DEFICIENCY; Isovaleric acidemia; ISOVALERIC ACID CoA DEHYDROGENASE DEFICIENCY. Identifiers: Orphanet 33, MedGen C0268575, MONDO:0009475, OMIM 243500.

Allele frequency attached by ClinVar (database versions not stated): gnomAD 0.00025 and 0.00026; gnomAD exomes 0.00025 and 0.00054; TOPMed 0.00036; ExAC 0.00039; ESP Exome Variant Server 0.00062.
gnomAD v4.1: 454 of 1,614,098 alleles (0.028%); highest among the groups gnomAD compares: Non-Finnish European, 0.0063%; 4 homozygotes.

Submissions (5):

Labcorp Genetics (formerly Invitae), Labcorp
Classification: Benign for Isovaleryl-CoA dehydrogenase deficiency. Last evaluated: 2026-01-23. Review status: criteria provided, single submitter. Criteria: Invitae Variant Classification Sherloc (09022015). Collection method: clinical testing. Allele origin: germline.

Blueprint Genetics
Classification: Likely benign. Last evaluated: 2024-11-18. Review status: criteria provided, single submitter. Criteria: ACMG Guidelines, 2015. Collection method: clinical testing. Allele origin: germline.

Illumina Laboratory Services, Illumina
Classification: Uncertain significance for Isovaleryl-CoA dehydrogenase deficiency. Last evaluated: 2018-01-13. Review status: criteria provided, single submitter. Criteria: ICSL Variant Classification Criteria 13 December 2019. Collection method: clinical testing. Allele origin: germline.

GeneDx
Classification: Likely benign. Last evaluated: 2017-12-07. Review status: criteria provided, single submitter. Criteria: GeneDx Variant Classification (06012015). Collection method: clinical testing. Allele origin: germline. Affected: yes.
Comment: This variant is considered likely benign or benign based on one or more of the following criteria: it is a conservative change, it occurs at a poorly conserved position in the protein, it is predicted to be benign by multiple in silico algorithms, and/or has population frequency not consistent with disease.

Natera, Inc.
Classification: Benign for Isovaleryl-coa dehydrogenase deficiency. Last evaluated: 2020-04-16. Review status: no assertion criteria provided. Collection method: clinical testing. Allele origin: germline. Not counted in ClinVar's aggregate classification.

NM_002225.5(IVD):c.400A>G (p.Ile134Val)

Gene: IVD (isovaleryl-CoA dehydrogenase; plus strand). Cytogenetic location: 15q15.1.
Variant type: single nucleotide variant.
Coding change: c.400A>G on transcript NM_002225.5 (MANE Select); coding-DNA position 400, A replaced by G.
Protein change: p.Ile134Val; replaces isoleucine 134 with valine.
Molecular consequence: missense variant. On other transcripts: non-coding transcript variant (1).
Genome position (GRCh38, 1-based): chr15:40,410,741, A>G. VCF-style: chr15-40410741-A-G. GRCh37 (hg19) VCF-style: chr15-40702940-A-G.
Other names: c.310A>G, p.Ile104Val (NM_001159508.3); c.352A>G, p.Ile118Val (NM_001354597.3); c.400A>G, p.Ile134Val (NM_001354598.3, NM_001354601.3); c.487A>G, p.Ile163Val (NM_001354599.3, NM_001354600.3); short protein forms I118V, I134V, I104V, I163V.
Identifiers: ClinVar variation 516119 (VCV000516119.18), dbSNP rs151118565, ClinGen allele CA7480612.